The following is an entry in ClinVar:

ClinVar aggregate classification (germline): Uncertain significance (0 of 4 stars; one submission).

Conditions:
Polycystic kidney disease. Also called: Kidney, Polycystic; Polycystic kidney dysplasia. Identifiers: MedGen C0022680, MeSH D007690, MONDO:0020642, HP:0000113.

Submission:

Department of Pathology and Laboratory Medicine, Sinai Health System
Classification: Uncertain significance for Polycystic Kidney disease. Review status: no assertion criteria provided. Collection method: clinical testing. Allele origin: unknown. Affected: yes. Study: The Canadian Open Genetics Repository (COGR).
Comment: The PKD1 p.Thr2422Lys variant was identified in 2 of 214 proband chromosomes (frequency: 0.009) from individuals or families with polycystic kidney disease and classified probably pathogenic (Garcia-Gonzalez 2007, Tan 2009). The variant was also identified in ADPKD Mutation Database and classified as highly likely pathogenic. The variant was not identified in dbSNP, NHLBI GO Exome Sequencing Project, the Exome Aggregation Consortium database, Clinvitae, ClinVar, GeneInsight COGR, PKD1-LOVD, and PKD1-LOVD 3.0 databases. The p.Thr2422 residue is conserved across mammals and other organisms, and four of five computational analyses (PolyPhen-2, SIFT, AlignGVGD, BLOSUM, MutationTaster) suggest that the variant may impact the protein; however, this information is not predictive enough to assume pathogenicity. The variant occurs outside of the splicing consensus sequence and in silico or computational prediction software programs (SpliceSiteFinder, MaxEntScan, NNSPLICE, GeneSplicer, HumanSpliceFinder) do not predict a difference in splicing. In summary, based on the above information, the clinical significance of this variant cannot be determined with certainty at this time. This variant is classified as a variant of uncertain significance.

NM_001009944.3(PKD1):c.7265C>A (p.Thr2422Lys)

Gene: PKD1 (polycystin 1, transient receptor potential channel interacting; minus strand). Cytogenetic location: 16p13.3.
Variant type: single nucleotide variant.
Coding change: c.7265C>A on transcript NM_001009944.3 (MANE Select); coding-DNA position 7265, C replaced by A.
Protein change: p.Thr2422Lys; replaces threonine 2422 with lysine.
Molecular consequence: missense variant.
Genome position (GRCh38, 1-based): chr16:2,106,622, G>T on the plus strand (C>A on the coding strand, the complement: PKD1 is on the minus strand). VCF-style: chr16-2106622-G-T. GRCh37 (hg19) VCF-style: chr16-2156623-G-T.
Other names: c.7265C>A, p.Thr2422Lys (NM_000296.4); short protein forms T2422K.
Identifiers: ClinVar variation 433981 (VCV000433981.3), dbSNP rs1555453210, ClinGen allele CA394371051.